The following is an entry in ClinVar:

ClinVar aggregate classification (germline): Likely pathogenic (1 of 4 stars; one submission).

Conditions:
Amyloidosis, hereditary systemic 1 (AMYLD1). Also called: Isolated Cardiac Amyloidosis; Amyloid Cardiomyopathy, Transthyretin-related; Familial amyloid polyneuropathy; Transthyretin Amyloidosis; Hereditary oculoleptomeningeal amyloid angiopathy; Familial Transthyretin Amyloidosis. Identifiers: Orphanet 85447, Orphanet 85451, MedGen C2751492, MONDO:0971004, OMIM 105210.

Submission:

Labcorp Genetics (formerly Invitae), Labcorp
Classification: Likely pathogenic for Amyloidosis, hereditary systemic 1. Last evaluated: 2023-09-22. Review status: criteria provided, single submitter. Criteria: Invitae Variant Classification Sherloc (09022015). Collection method: clinical testing. Allele origin: germline.
Comment: This sequence change replaces glutamic acid, which is acidic and polar, with glycine, which is neutral and non-polar, at codon 109 of the TTR protein (p.Glu109Gly). This variant is not present in population databases (gnomAD no frequency). This variant has not been reported in the literature in individuals affected with TTR-related conditions. Advanced modeling of protein sequence and biophysical properties (such as structural, functional, and spatial information, amino acid conservation, physicochemical variation, residue mobility, and thermodynamic stability) performed at Invitae indicates that this missense variant is expected to disrupt TTR protein function. This variant disrupts the p.Glu109 amino acid residue in TTR. Other variant(s) that disrupt this residue have been determined to be pathogenic (PMID: 10842705, 20209591, 25644864, 26428663, 28911993). This suggests that this residue is clinically significant, and that variants that disrupt this residue are likely to be disease-causing. In summary, the currently available evidence indicates that the variant is pathogenic, but additional data are needed to prove that conclusively. Therefore, this variant has been classified as Likely Pathogenic.

Literature cited by the submitters: PubMed 10842705; PubMed 20209591; PubMed 25644864; PubMed 26428663; PubMed 28911993.

NM_000371.4(TTR):c.326A>G (p.Glu109Gly)

Gene: TTR (transthyretin; plus strand). Cytogenetic location: 18q12.1.
Variant type: single nucleotide variant.
Coding change: c.326A>G on transcript NM_000371.4 (MANE Select); coding-DNA position 326, A replaced by G.
Protein change: p.Glu109Gly; replaces glutamic acid 109 with glycine.
Molecular consequence: missense variant.
Genome position (GRCh38, 1-based): chr18:31,595,245, A>G. VCF-style: chr18-31595245-A-G. GRCh37 (hg19) VCF-style: chr18-29175208-A-G.
Other names: short protein forms E109G.
Identifiers: ClinVar variation 2762712 (VCV002762712.3), dbSNP rs2073511444, ClinGen allele CA402157143.